The following is an entry in ClinVar:

NM_025136.4(OPA3):c.22A>G (p.Met8Val)

Genes: OPA3 (outer mitochondrial membrane lipid metabolism regulator OPA3; minus strand), OPA3-RTN2 (OPA3-RTN2 readthrough; minus strand), LOC130064709 (ATAC-STARR-seq lymphoblastoid active region 14802; plus strand). Cytogenetic location: 19q13.32.
Variant type: single nucleotide variant.
Coding change: c.22A>G on transcript NM_025136.4 (MANE Select); coding-DNA position 22, A replaced by G.
Protein change: p.Met8Val; replaces methionine 8 with valine.
Molecular consequence: missense variant.
Genome position (GRCh38, 1-based): chr19:45,584,743, T>C on the plus strand (A>G on the coding strand, the complement: OPA3 is on the minus strand). VCF-style: chr19-45584743-T-C. GRCh37 (hg19) VCF-style: chr19-46088001-T-C.
Other names: c.22A>G, p.Met8Val (NM_001017989.3); short protein forms M8V.
Identifiers: ClinVar variation 1176709 (VCV001176709.36), dbSNP rs1357831556, ClinGen allele CA406378990.

ClinVar aggregate classification (germline): Conflicting classifications of pathogenicity. Review status: criteria provided, conflicting classifications (1 of 4 stars). 2 submissions from 2 submitters: Likely pathogenic (1); Uncertain significance (1). Last evaluated 2026-07-28.

Conditions:
3-Methylglutaconic aciduria type 3 (MGCA3). Also called: Costeff Syndrome; OPA3, AUTOSOMAL RECESSIVE; OPTIC ATROPHY 3, AUTOSOMAL RECESSIVE; OPA3-Related 3-Methylglutaconic Aciduria. Identifiers: Orphanet 67047, MedGen C0574084, MONDO:0009787, OMIM 258501.

Submissions (2):

Myriad Genetics, Inc.
Classification: Uncertain significance for 3-Methylglutaconic aciduria type 3. Last evaluated: 2026-07-28. Review status: criteria provided, single submitter. Criteria: Myriad Autosomal Dominant, Autosomal Recessive and X-Linked Classification Criteria (2023). Collection method: clinical testing. Allele origin: unknown.
Comment: NM_025136.3(OPA3):c.22A>G(M8V) is a missense variant classified as a variant of uncertain significance in the context of Costeff optic atrophy syndrome. M8V has not been observed in cases with relevant disease. Relevant functional assessments of this variant are not available in the literature. M8V has not been observed in referenced population frequency databases. In summary, there is insufficient evidence to classify NM_025136.3(OPA3):c.22A>G(M8V) as pathogenic or benign. Please note: this variant was assessed in the context of healthy population screening.

CeGaT Center for Human Genetics Tuebingen
Classification: Likely pathogenic. Last evaluated: 2021-03-01. Review status: criteria provided, single submitter. Criteria: CeGaT Center For Human Genetics Tuebingen Variant Classification Criteria Version 2. Collection method: clinical testing. Allele origin: germline. Affected: yes. Observed: 1 variant allele.